The following is an entry in ClinVar:

ClinVar aggregate classification (germline): Uncertain significance (1 of 4 stars; one submission).

Submission:

GeneDx
Classification: Uncertain significance. Last evaluated: 2020-01-10. Review status: criteria provided, single submitter. Criteria: GeneDx Variant Classification Process June 2021. Collection method: clinical testing. Allele origin: germline. Affected: yes.
Comment: Not observed in large population cohorts (Lek et al., 2016); In silico analysis, which includes protein predictors and evolutionary conservation, supports a deleterious effect; Has not been previously published as pathogenic or benign to our knowledge

NM_016532.4(INPP5K):c.569T>A (p.Phe190Tyr)

Gene: INPP5K (inositol polyphosphate-5-phosphatase K; minus strand). Cytogenetic location: 17p13.3.
Variant type: single nucleotide variant.
Coding change: c.569T>A on transcript NM_016532.4 (MANE Select); coding-DNA position 569, T replaced by A.
Protein change: p.Phe190Tyr; replaces phenylalanine 190 with tyrosine.
Molecular consequence: missense variant.
Genome position (GRCh38, 1-based): chr17:1,508,212, A>T on the plus strand (T>A on the coding strand, the complement: INPP5K is on the minus strand). VCF-style: chr17-1508212-A-T. GRCh37 (hg19) VCF-style: chr17-1411506-A-T.
Other names: c.341T>A, p.Phe114Tyr (NM_001135642.2, NM_130766.3); short protein forms F114Y, F190Y.
Identifiers: ClinVar variation 1310801 (VCV001310801.2), dbSNP rs2150988565, ClinGen allele CA397544648.
Genomic context (GRCh38, chr17:1,508,212, plus strand): 5'-TTAATGGATTCCCGAACAAAGTGCAACCCAAAGTCCTCGATCCGAAAGTTCATGTCTCCA[A>T]ACCAGATAATGAGGCTTCAGAAAAAAAGGAGGGCAGCCTGAGGATTTGTGATGAAGTCGG-3'
Protein context (NP_057616.2, residues 180-200): NILDHDLIIW[Phe190Tyr]GDMNFRIEDF